The following is an entry in ClinVar:

ClinVar aggregate classification (germline): Uncertain significance (1 of 4 stars; one submission).

Allele frequency attached by ClinVar (database versions not stated): ExAC 0.00004.

Submission:

GeneDx
Classification: Uncertain significance. Last evaluated: 2022-02-28. Review status: criteria provided, single submitter. Criteria: GeneDx Variant Classification Process June 2021. Collection method: clinical testing. Allele origin: germline. Affected: yes.
Comment: In silico analysis supports that this missense variant does not alter protein structure/function; Has not been previously published as pathogenic or benign to our knowledge

NM_014363.6(SACS):c.13220G>A (p.Ser4407Asn)

Gene: SACS (sacsin molecular chaperone; minus strand). Cytogenetic location: 13q12.12.
Variant type: single nucleotide variant.
Coding change: c.13220G>A on transcript NM_014363.6 (MANE Select); coding-DNA position 13220, G replaced by A.
Protein change: p.Ser4407Asn; replaces serine 4407 with asparagine.
Molecular consequence: missense variant.
Genome position (GRCh38, 1-based): chr13:23,330,656, C>T on the plus strand (G>A on the coding strand, the complement: SACS is on the minus strand). VCF-style: chr13-23330656-C-T. GRCh37 (hg19) VCF-style: chr13-23904795-C-T.
Other names: c.12779G>A, p.Ser4260Asn (NM_001278055.2); short protein forms S4260N, S4407N.
Identifiers: ClinVar variation 1703979 (VCV001703979.2), dbSNP rs763196673, ClinGen allele CA6910001.